The following is an entry in ClinVar:

ClinVar aggregate classification (germline): Likely benign. Review status: criteria provided, multiple submitters, no conflicts (2 of 4 stars). 4 submissions from 4 submitters: Likely benign (3). 1 of the submissions does not count toward it. Last evaluated 2026-04-01.

Conditions:
ANKRD11-related disorder. Also called: ANKRD11-related condition.
KBG syndrome (KBGS). Also called: ANKRD11-Related KBG Syndrome. Identifiers: Orphanet 2332, MedGen C0220687, MONDO:0007846, OMIM 148050.

Allele frequency attached by ClinVar (database versions not stated): gnomAD exomes 0.00002; ExAC 0.00003; gnomAD 0.00003; TOPMed 0.00003.
gnomAD v4.1: 29 of 1,613,606 alleles (0.0018%); highest among the groups gnomAD compares: Admixed American, 0.01%; no homozygotes.

Submissions (4):

CeGaT Center for Human Genetics Tuebingen
Classification: Likely benign. Last evaluated: 2026-04-01. Review status: criteria provided, single submitter. Criteria: CeGaT Center For Human Genetics Tuebingen Variant Classification Criteria Version 2. Collection method: clinical testing. Allele origin: germline. Affected: yes. Observed: 1 variant allele.
Comment: ANKRD11: BP4, BP7

Blueprint Genetics
Classification: Likely benign. Last evaluated: 2023-08-23. Review status: criteria provided, single submitter. Criteria: ACMG Guidelines, 2015. Collection method: clinical testing. Allele origin: germline.

Labcorp Genetics (formerly Invitae), Labcorp
Classification: Likely benign for KBG syndrome. Last evaluated: 2022-09-28. Review status: criteria provided, single submitter. Criteria: Invitae Variant Classification Sherloc (09022015). Collection method: clinical testing. Allele origin: germline.

PreventionGenetics, part of Exact Sciences
Classification: Likely benign for ANKRD11-related condition. Last evaluated: 2019-02-27. Review status: no assertion criteria provided. Collection method: clinical testing. Allele origin: germline. Not counted in ClinVar's aggregate classification.
Comment: This variant is classified as likely benign based on ACMG/AMP sequence variant interpretation guidelines (Richards et al. 2015 PMID: 25741868, with internal and published modifications).

NM_013275.6(ANKRD11):c.1407C>T (p.Phe469=)

Gene: ANKRD11 (ankyrin repeat domain 11; minus strand). Cytogenetic location: 16q24.3.
Variant type: single nucleotide variant.
Coding change: c.1407C>T on transcript NM_013275.6 (MANE Select); coding-DNA position 1407, C replaced by T.
Protein change: p.Phe469=; no amino-acid change (phenylalanine 469 retained).
Molecular consequence: synonymous variant.
Genome position (GRCh38, 1-based): chr16:89,285,135, G>A on the plus strand (C>T on the coding strand, the complement: ANKRD11 is on the minus strand). VCF-style: chr16-89285135-G-A. GRCh37 (hg19) VCF-style: chr16-89351543-G-A.
Other names: c.1407C>T, p.Phe469= (NM_001256182.2, NM_001256183.2); c.1407C>T (NM_013275.5).
Identifiers: ClinVar variation 2196746 (VCV002196746.9), dbSNP rs201654291, ClinGen allele CA8242785.